The following is an entry in ClinVar:

ClinVar aggregate classification (germline): Pathogenic (1 of 4 stars; one submission).

Conditions:
Hereditary hemorrhagic telangiectasia (HHT). Also called: ORW DISEASE; Osler Weber Rendu syndrome; OSLER-RENDU-WEBER DISEASE; Osler hemorrhagic telangiectasia syndrome. Identifiers: Orphanet 774, MedGen C0039445, MONDO:0019180. Disease mechanism: loss of function.

Submission:

Labcorp Genetics (formerly Invitae), Labcorp
Classification: Pathogenic for Hereditary hemorrhagic telangiectasia. Last evaluated: 2024-02-23. Review status: criteria provided, single submitter. Criteria: Invitae Variant Classification Sherloc (09022015). Collection method: clinical testing. Allele origin: germline.
Comment: This sequence change creates a premature translational stop signal (p.Glu79Serfs*2) in the ENG gene. It is expected to result in an absent or disrupted protein product. Loss-of-function variants in ENG are known to be pathogenic (PMID: 15879500). This variant is not present in population databases (gnomAD no frequency). This variant has not been reported in the literature in individuals affected with ENG-related conditions. For these reasons, this variant has been classified as Pathogenic.

Literature cited by the submitters: PubMed 15879500.

NM_001114753.3(ENG):c.235del (p.Glu79fs)

Gene: ENG (endoglin; minus strand). Cytogenetic location: 9q34.11.
Variant type: Deletion.
Coding change: c.235del on transcript NM_001114753.3 (MANE Select); coding-DNA position 235, one base deleted (G; older notation c.235delG).
Protein change: p.Glu79fs; shifts the reading frame from glutamic acid 79.
Molecular consequence: frameshift variant. On other transcripts: 5 prime UTR variant (1).
Genome position (GRCh38, 1-based): chr9:127,829,812, C deleted on the plus strand (G on the coding strand, the reverse complement: ENG is on the minus strand); the first of 2 consecutive C bases (chr9:127,829,812-127,829,813); deleting either gives the same sequence. VCF-style (leftmost placement, unchanged base first): chr9-127829811-TC-T. GRCh37 (hg19) VCF-style: chr9-130592090-TC-T.
Other names: c.235del, p.Glu79fs (NM_000118.4, NM_001406715.1); c.-312del (NM_001278138.2); short protein forms E79fs.
Identifiers: ClinVar variation 3642885 (VCV003642885.2).